The following is an entry in ClinVar:

NM_014977.4(ACIN1):c.66G>A (p.Gly22=)

Gene: ACIN1 (apoptotic chromatin condensation inducer 1; minus strand). Cytogenetic location: 14q11.2.
Variant type: single nucleotide variant.
Coding change: c.66G>A on transcript NM_014977.4; coding-DNA position 66, G replaced by A.
Protein change: p.Gly22=; no amino-acid change (glycine 22 retained).
Molecular consequence: synonymous variant.
Genome position (GRCh38, 1-based): chr14:23,095,221, C>T on the plus strand (G>A on the coding strand, the complement: ACIN1 is on the minus strand). VCF-style: chr14-23095221-C-T. GRCh37 (hg19) VCF-style: chr14-23564430-C-T.
Other names: c.66G>A, p.Gly22= (NM_001164814.2, NM_001164815.2).
Identifiers: ClinVar variation 2644087 (VCV002644087.22), dbSNP rs115984185, ClinGen allele CA7110805.
Genomic context (GRCh38, chr14:23,095,221, plus strand): 5'-TAATTTCCGCCAACGCCCTTCGAACGTACCGAGATGACCCCGCCCACTGCCATACTCTAC[C>T]CCTCGATTACCACTCAGAACTCCCCGGGTTCCTCCGGATGTCCTCGGATGTTTCCGTCTC-3'

ClinVar aggregate classification (germline): Likely benign (1 of 4 stars; one submission).

Allele frequency attached by ClinVar (database versions not stated): 1000 Genomes Project 30x 0.00016; gnomAD 0.00001; TOPMed 0.00001; 1000 Genomes Project 0.00020.
gnomAD v4.1: 12 of 1,613,682 alleles (0.00074%); highest among the groups gnomAD compares: East Asian, 0.02%; no homozygotes.

Submission:

CeGaT Center for Human Genetics Tuebingen
Classification: Likely benign. Last evaluated: 2022-12-01. Review status: criteria provided, single submitter. Criteria: CeGaT Center For Human Genetics Tuebingen Variant Classification Criteria Version 2. Collection method: clinical testing. Allele origin: germline. Affected: yes. Observed: 1 variant allele.
Comment: ACIN1: BP4, BP7